The following is an entry in ClinVar:

ClinVar aggregate classification (germline): Pathogenic (1 of 4 stars; one submission).

Conditions:
Hajdu-Cheney syndrome (HJCYS). Also called: SERPENTINE FIBULA-POLYCYSTIC KIDNEY SYNDROME; Acroosteolysis dominant type; ACROOSTEOLYSIS WITH OSTEOPOROSIS AND CHANGES IN SKULL AND MANDIBLE. Identifiers: Orphanet 955, MedGen C0917715, MONDO:0007057, OMIM 102500.

Submission:

Labcorp Genetics (formerly Invitae), Labcorp
Classification: Pathogenic for Hajdu-Cheney syndrome. Last evaluated: 2025-04-01. Review status: criteria provided, single submitter. Criteria: Invitae Variant Classification Sherloc (09022015). Collection method: clinical testing. Allele origin: germline.
Comment: This sequence change creates a premature translational stop signal (p.Gln499*) in the NOTCH2 gene. It is expected to result in an absent or disrupted protein product. Loss-of-function variants in NOTCH2 are known to be pathogenic (PMID: 16773578, 22209762). This variant is not present in population databases (gnomAD no frequency). This variant has not been reported in the literature in individuals affected with NOTCH2-related conditions. Algorithms developed to predict the effect of sequence changes on RNA splicing suggest that this variant may disrupt the consensus splice site. For these reasons, this variant has been classified as Pathogenic.

Literature cited by the submitters: PubMed 16773578; PubMed 22209762.

NM_024408.4(NOTCH2):c.1495C>T (p.Gln499Ter)

Gene: NOTCH2 (notch receptor 2; minus strand). Cytogenetic location: 1p12.
Variant type: single nucleotide variant.
Coding change: c.1495C>T on transcript NM_024408.4 (MANE Select); coding-DNA position 1495, C replaced by T.
Protein change: p.Gln499Ter; replaces glutamine 499 with a stop codon.
Molecular consequence: nonsense.
Genome position (GRCh38, 1-based): chr1:119,966,448, G>A on the plus strand (C>T on the coding strand, the complement: NOTCH2 is on the minus strand). VCF-style: chr1-119966448-G-A. GRCh37 (hg19) VCF-style: chr1-120509071-G-A.
Other names: c.1495C>T, p.Gln499Ter (NM_001200001.2); short protein forms Q499*.
Identifiers: ClinVar variation 4716521 (VCV004716521.1).